The following is an entry in ClinVar:

ClinVar aggregate classification (germline): Uncertain significance. Review status: criteria provided, multiple submitters, no conflicts (2 of 4 stars). 2 submissions from 2 submitters: Uncertain significance (2). Last evaluated 2025-12-04.

Conditions:
Autosomal dominant nocturnal frontal lobe epilepsy 5. Also called: KCNT1-Related Epilepsy; CILIARY DYSKINESIA, PRIMARY, 28, WITHOUT SITUS INVERSUS; CILIARY DYSKINESIA, PRIMARY, 28, WITH SITUS INVERSUS; Epilepsy, nocturnal frontal lobe, 5. Identifiers: Orphanet 98784, MedGen C3554306, MONDO:0014002, OMIM 615005.
Developmental and epileptic encephalopathy, 14 (DEE14). Also called: Early infantile epileptic encephalopathy 14. Identifiers: Orphanet 293181, MedGen C3554195, MONDO:0013989, OMIM 614959.
Inborn genetic diseases. Identifiers: MedGen C0950123, MeSH D030342.

Allele frequency attached by ClinVar (database versions not stated): ExAC below 0.00001; gnomAD 0.00001; TOPMed 0.00001; gnomAD exomes 0.00002.
gnomAD v4.1: 32 of 1,508,164 alleles (0.0021%); highest among the groups gnomAD compares: African/African-American, 0.0028%; no homozygotes.

Submissions (2):

Ambry Genetics
Classification: Uncertain significance for Inborn genetic diseases. Last evaluated: 2025-12-04. Review status: criteria provided, single submitter. Criteria: Ambry Variant Classification Scheme 2023. Collection method: clinical testing. Allele origin: germline.

Labcorp Genetics (formerly Invitae), Labcorp
Classification: Uncertain significance for Autosomal dominant nocturnal frontal lobe epilepsy 5; Developmental and epileptic encephalopathy, 14. Last evaluated: 2023-11-04. Review status: criteria provided, single submitter. Criteria: Invitae Variant Classification Sherloc (09022015). Collection method: clinical testing. Allele origin: germline.
Comment: This sequence change replaces leucine, which is neutral and non-polar, with phenylalanine, which is neutral and non-polar, at codon 744 of the KCNT1 protein (p.Leu744Phe). The frequency data for this variant in the population databases is considered unreliable, as metrics indicate poor data quality at this position in the gnomAD database. This variant has not been reported in the literature in individuals affected with KCNT1-related conditions. ClinVar contains an entry for this variant (Variation ID: 944912). Advanced modeling of protein sequence and biophysical properties (such as structural, functional, and spatial information, amino acid conservation, physicochemical variation, residue mobility, and thermodynamic stability) performed at Invitae indicates that this missense variant is not expected to disrupt KCNT1 protein function with a negative predictive value of 80%. In summary, the available evidence is currently insufficient to determine the role of this variant in disease. Therefore, it has been classified as a Variant of Uncertain Significance.

NM_020822.3(KCNT1):c.2230C>T (p.Leu744Phe)

Gene: KCNT1 (potassium sodium-activated channel subfamily T member 1; plus strand). Cytogenetic location: 9q34.3.
Variant type: single nucleotide variant.
Coding change: c.2230C>T on transcript NM_020822.3 (MANE Select); coding-DNA position 2230, C replaced by T.
Protein change: p.Leu744Phe; replaces leucine 744 with phenylalanine.
Molecular consequence: missense variant.
Genome position (GRCh38, 1-based): chr9:135,772,936, C>T. VCF-style: chr9-135772936-C-T. GRCh37 (hg19) VCF-style: chr9-138664782-C-T.
Other names: c.2095C>T, p.Leu699Phe (NM_001272003.2); short protein forms L744F, L699F.
Identifiers: ClinVar variation 944912 (VCV000944912.11), dbSNP rs778897238, ClinGen allele CA5327218.
Genomic context (GRCh38, chr9:135,772,936, plus strand): 5'-CCCTGCGACCTGCTGAGCGACCAGTCGGAGGATGAGGTGACGCCGTCGGACGACGAGGGG[C>T]TCTCCGTGGTAGAGTGAGTGCTGCCTTGGAGACGGCTCCCAGTGGGGGGAGGAGCCGCCC-3'
Protein context (NP_065873.2, residues 734-754): DEVTPSDDEG[Leu744Phe]SVVEYVKGYP